The following is an entry in ClinVar:

ClinVar aggregate classification (germline): Conflicting classifications of pathogenicity. Review status: criteria provided, conflicting classifications (1 of 4 stars). 3 submissions from 3 submitters: Uncertain significance (2); Likely benign (1). Last evaluated 2026-02-01.

Conditions:
Joubert syndrome 15 (JBTS15). Identifiers: Orphanet 475, MedGen C3280897, MONDO:0013763, OMIM 614464.

Allele frequency attached by ClinVar (database versions not stated): gnomAD exomes 0.00006 and 0.00007; TOPMed 0.00009; ExAC 0.00010; gnomAD 0.00014; ESP Exome Variant Server 0.00015.
gnomAD v4.1: 108 of 1,611,500 alleles (0.0067%); highest among the groups gnomAD compares: Middle Eastern, 0.016%; no homozygotes.

Submissions (3):

Labcorp Genetics (formerly Invitae), Labcorp
Classification: Uncertain significance for Joubert syndrome 15. Last evaluated: 2026-02-01. Review status: criteria provided, single submitter. Criteria: Invitae Variant Classification Sherloc (09022015). Collection method: clinical testing. Allele origin: germline.
Comment: This sequence change falls in intron 6 of the CEP41 gene. It does not directly change the encoded amino acid sequence of the CEP41 protein. It affects a nucleotide within the consensus splice site. The frequency data for this variant in the population databases is considered unreliable, as metrics indicate poor data quality at this position in the gnomAD database. This variant has not been reported in the literature in individuals affected with CEP41-related conditions. ClinVar contains an entry for this variant (Variation ID: 358943). Variants that disrupt the consensus splice site are a relatively common cause of aberrant splicing (PMID: 17576681, 9536098). Algorithms developed to predict the effect of sequence changes on RNA splicing suggest that this variant is not likely to affect RNA splicing. In summary, the available evidence is currently insufficient to determine the role of this variant in disease. Therefore, it has been classified as a Variant of Uncertain Significance.

Blueprint Genetics
Classification: Likely benign. Last evaluated: 2024-08-29. Review status: criteria provided, single submitter. Criteria: ACMG Guidelines, 2015. Collection method: clinical testing. Allele origin: germline.

Illumina Laboratory Services, Illumina
Classification: Uncertain significance for Joubert syndrome 15. Last evaluated: 2018-01-13. Review status: criteria provided, single submitter. Criteria: ICSL Variant Classification Criteria 13 December 2019. Collection method: clinical testing. Allele origin: germline.

Literature cited by the submitters: PubMed 17576681 (cited by Labcorp Genetics (formerly Invitae), Labcorp); PubMed 9536098 (cited by Labcorp Genetics (formerly Invitae), Labcorp).

NM_018718.3(CEP41):c.422+6C>T

Gene: CEP41 (centrosomal protein 41; minus strand). Cytogenetic location: 7q32.2.
Variant type: single nucleotide variant.
Coding change: c.422+6C>T on transcript NM_018718.3 (MANE Select); 6 bases into the intron after coding-DNA position 422, C replaced by T.
Molecular consequence: intron variant.
Genome position (GRCh38, 1-based): chr7:130,404,558, G>A on the plus strand (C>T on the coding strand, the complement: CEP41 is on the minus strand). VCF-style: chr7-130404558-G-A. GRCh37 (hg19) VCF-style: chr7-130044399-G-A.
Other names: c.374+6C>T (NM_001257159.2); c.422+6C>T (NM_001257158.2).
Identifiers: ClinVar variation 358943 (VCV000358943.12), dbSNP rs199678365, ClinGen allele CA4485582.